The following is an entry in ClinVar:

NM_000628.5(IL10RB):c.971A>G (p.Gln324Arg)

Genes: IL10RB (interleukin 10 receptor subunit beta; plus strand), IFNAR2-IL10RB (IFNAR2-IL10RB readthrough; plus strand). Cytogenetic location: 21q22.11.
Variant type: single nucleotide variant.
Coding change: c.971A>G on transcript NM_000628.5 (MANE Select); coding-DNA position 971, A replaced by G.
Protein change: p.Gln324Arg; replaces glutamine 324 with arginine.
Molecular consequence: missense variant. On other transcripts: 3 prime UTR variant (1), intron variant (2).
Genome position (GRCh38, 1-based): chr21:33,296,350, A>G. VCF-style: chr21-33296350-A-G. GRCh37 (hg19) VCF-style: chr21-34668655-A-G.
Other names: c.1631A>G, p.Gln544Arg (NM_001414505.1); c.*144A>G (NM_001406840.1); c.804+8089A>G (NM_001405849.1, NM_001405850.1); short protein forms Q324R, Q544R.
Identifiers: ClinVar variation 2088152 (VCV002088152.4), dbSNP rs2516816687, ClinGen allele CA410097296.

ClinVar aggregate classification (germline): Uncertain significance (1 of 4 stars; one submission).

Conditions:
Inflammatory bowel disease 25. Also called: Inflammatory bowel disease 25, early onset, autosomal recessive. Identifiers: Orphanet 238569, MedGen C2675508, MONDO:0012941, OMIM 612567.

Submission:

Labcorp Genetics (formerly Invitae), Labcorp
Classification: Uncertain significance for Inflammatory bowel disease 25. Last evaluated: 2022-02-07. Review status: criteria provided, single submitter. Criteria: Invitae Variant Classification Sherloc (09022015). Collection method: clinical testing. Allele origin: germline.
Comment: In summary, the available evidence is currently insufficient to determine the role of this variant in disease. Therefore, it has been classified as a Variant of Uncertain Significance. Algorithms developed to predict the effect of missense changes on protein structure and function (SIFT, PolyPhen-2, Align-GVGD) all suggest that this variant is likely to be tolerated. This variant has not been reported in the literature in individuals affected with IL10RB-related conditions. This variant is not present in population databases (gnomAD no frequency). This sequence change replaces glutamine, which is neutral and polar, with arginine, which is basic and polar, at codon 324 of the IL10RB protein (p.Gln324Arg).